The following is an entry in ClinVar:

ClinVar aggregate classification (germline): Likely pathogenic (1 of 4 stars; one submission).

Conditions:
Developmental and epileptic encephalopathy, 68. Also called: EPILEPTIC ENCEPHALOPATHY, EARLY INFANTILE, 68. Identifiers: MedGen C4748688, MONDO:0032598, OMIM 618201.

gnomAD v4.1: 2 of 1,611,292 alleles (0.00012%); highest among the groups gnomAD compares: African/African-American, 0.0013%; no homozygotes.

Submission:

First Genomix Gene Laboratory, Genetic Diagnostics Department
Classification: Likely pathogenic for Developmental and epileptic encephalopathy, 68. Last evaluated: 2025-09-19. Review status: criteria provided, single submitter. Criteria: ACMG Guidelines, 2015. Collection method: clinical testing. Allele origin: germline. Inheritance: Autosomal recessive inheritance. Affected: no. Observed: 1 variant allele.

NM_001042646.3(TRAK1):c.91+1G>T

Gene: TRAK1 (trafficking kinesin protein 1; plus strand). Cytogenetic location: 3p22.1.
Variant type: single nucleotide variant.
Coding change: c.91+1G>T on transcript NM_001042646.3 (MANE Select); the canonical splice donor site of the intron after coding-DNA position 91, G replaced by T.
Molecular consequence: splice donor variant. On other transcripts: intron variant (1).
Genome position (GRCh38, 1-based): chr3:42,091,561, G>T. VCF-style: chr3-42091561-G-T. GRCh37 (hg19) VCF-style: chr3-42133053-G-T.
Other names: c.-222+4161G>T (NM_001349245.1); c.91+1G>T (NM_001349247.2, NM_001349246.2, NM_001265608.2).
Identifiers: ClinVar variation 4850377 (VCV004850377.1).